The following is an entry in ClinVar:

ClinVar aggregate classification (germline): Conflicting classifications of pathogenicity. Review status: criteria provided, conflicting classifications (1 of 4 stars). 8 submissions from 8 submitters: Uncertain significance (1); Benign (4); Likely benign (3). Last evaluated 2026-03-06.

Conditions:
Cardiovascular phenotype. Identifiers: MedGen CN230736.
CACNA1C-related disorder. Also called: CACNA1C-related condition; CACNA1C-related disorders. Identifiers: MedGen CN381092, MONDO:0700321.
Long QT syndrome (LQTS). Identifiers: MedGen C0023976, MeSH D008133, MONDO:0002442. Disease mechanism: loss of function. Inheritance: Various modes of inheritance.

Allele frequency attached by ClinVar (database versions not stated): gnomAD exomes 0.00003 and 0.00018; TOPMed 0.00016; ExAC 0.00022; gnomAD 0.00009 and 0.00010; 1000 Genomes Project 0.00020; 1000 Genomes Project 30x 0.00016.
gnomAD v4.1: 73 of 1,614,096 alleles (0.0045%); highest among the groups gnomAD compares: East Asian, 0.094%; no homozygotes.

Submissions (8):

PreventionGenetics, part of Exact Sciences
Classification: Benign for CACNA1C-related condition. Last evaluated: 2026-03-06. Review status: criteria provided, single submitter. Criteria: ACMG Guidelines, 2015. Collection method: clinical testing. Allele origin: germline.
Comment: This variant is classified as benign based on ACMG/AMP sequence variant interpretation guidelines (Richards et al. 2015 PMID: 25741868, with internal and published modifications).

Labcorp Genetics (formerly Invitae), Labcorp
Classification: Benign for Long QT syndrome. Last evaluated: 2026-02-02. Review status: criteria provided, single submitter. Criteria: Invitae Variant Classification Sherloc (09022015). Collection method: clinical testing. Allele origin: germline.

ARUP Laboratories, Molecular Genetics and Genomics, ARUP Laboratories
Classification: Likely benign. Last evaluated: 2025-02-14. Review status: criteria provided, single submitter. Criteria: ARUP Molecular Germline Variant Investigation Process 2024. Collection method: clinical testing. Allele origin: germline.

Blueprint Genetics
Classification: Likely benign. Last evaluated: 2024-04-15. Review status: criteria provided, single submitter. Criteria: ACMG Guidelines, 2015. Collection method: clinical testing. Allele origin: germline.

Ambry Genetics
Classification: Likely benign for Cardiovascular phenotype. Last evaluated: 2017-03-03. Review status: criteria provided, single submitter. Criteria: Ambry Variant Classification Scheme 2023. Collection method: clinical testing. Allele origin: germline.

Women's Health and Genetics/Laboratory Corporation of America, LabCorp
Classification: Benign. Last evaluated: 2016-12-05. Review status: criteria provided, single submitter. Criteria: LabCorp Variant Classification Summary - May 2015. Collection method: clinical testing. Allele origin: germline.
Comment: Variant summary: The CACNA1C c.4659C>T (p.Asp1553Asp) variant involves the alteration of a non-conserved nucleotide, resulting in a synonymous change. One in silico tool predicts a damaging outcome for this variant. 5/5 splice prediction tools predict no significant impact on normal splicing. However, these predictions have yet to be confirmed by functional studies. This variant was found in 27/120922 control chromosomes, exclusively observed in the East Asian subpopulation at a frequency of 0.0031228 (27/8646). This frequency is about 312 times the estimated maximal expected allele frequency of a pathogenic CACNA1C variant (0.00001), suggesting this is likely a benign polymorphism found primarily in the populations of East Asian origin. In addition, one clinical diagnostic laboratory/reputable database has classified this variant as benign. The variant of interest has not, to our knowledge, been reported in affected individuals via publications nor evaluated for functional impact by in vivo/vitro studies. Taken together, this variant is classified as benign.

Eurofins Ntd Llc (ga)
Classification: Uncertain significance. Last evaluated: 2016-09-30. Review status: criteria provided, single submitter. Criteria: EGL Classification Definitions 2015. Collection method: clinical testing. Allele origin: germline. Observed: 1 variant allele, 1 heterozygote.

GeneDx
Classification: Benign. Last evaluated: 2013-03-28. Review status: criteria provided, single submitter. Criteria: GeneDx Variant Classification (06012015). Collection method: clinical testing. Allele origin: germline. Affected: yes.
Comment: This variant is considered likely benign or benign based on one or more of the following criteria: it is a conservative change, it occurs at a poorly conserved position in the protein, it is predicted to be benign by multiple in silico algorithms, and/or has population frequency not consistent with disease.

NM_000719.7(CACNA1C):c.4659C>T (p.Asp1553=)

Genes: CACNA1C (calcium voltage-gated channel subunit alpha1 C; plus strand), CACNA1C-AS2 (CACNA1C antisense RNA 2; minus strand). Cytogenetic location: 12p13.33.
Variant type: single nucleotide variant.
Coding change: c.4659C>T on transcript NM_000719.7 (MANE Select); coding-DNA position 4659, C replaced by T.
Protein change: p.Asp1553=; no amino-acid change (aspartic acid 1553 retained).
Molecular consequence: synonymous variant. On other transcripts: non-coding transcript variant (1).
Genome position (GRCh38, 1-based): chr12:2,668,968, C>T. VCF-style: chr12-2668968-C-T. GRCh37 (hg19) VCF-style: chr12-2778134-C-T.
Other names: p.D1553D:GAC>GAT; c.4803C>T, p.Asp1601= (NM_001129827.2, NM_199460.4); c.4725C>T, p.Asp1575= (NM_001129829.2); c.4659C>T, p.Asp1553= (NM_001129830.3, NM_001129833.2, NM_001129834.2 and 7 more transcripts); c.4743C>T, p.Asp1581= (NM_001129831.2); c.4719C>T, p.Asp1573= (NM_001129832.2); c.4710C>T, p.Asp1570= (NM_001129836.2); c.4626C>T, p.Asp1542= (NM_001129837.2, NM_001129838.2, NM_001129846.2 and 1 more transcripts); and 2 more.
Identifiers: ClinVar variation 136628 (VCV000136628.25), dbSNP rs563090568, ClinGen allele CA289868.